The following is an entry in ClinVar:

NM_001267550.2(TTN):c.26380T>G (p.Leu8794Val)

Gene: TTN (titin; minus strand). Cytogenetic location: 2q31.2.
Variant type: single nucleotide variant.
Coding change: c.26380T>G on transcript NM_001267550.2 (MANE Select); coding-DNA position 26380, T replaced by G.
Protein change: p.Leu8794Val; replaces leucine 8794 with valine.
Molecular consequence: missense variant. On other transcripts: intron variant (3).
Genome position (GRCh38, 1-based): chr2:178,714,394, A>C on the plus strand (T>G on the coding strand, the complement: TTN is on the minus strand). VCF-style: chr2-178714394-A-C. GRCh37 (hg19) VCF-style: chr2-179579121-A-C.
Other names: c.25429T>G, p.Leu8477Val (NM_001256850.1); c.22648T>G, p.Leu7550Val (NM_133378.4); c.13282+23688T>G (NM_003319.4); c.13858+23688T>G (NM_133437.4); c.13657+23688T>G (NM_133432.3); short protein forms L7550V, L8794V, L8477V.
Identifiers: ClinVar variation 680079 (VCV000680079.2), dbSNP rs372229450, ClinGen allele CA2000014.
Genomic context (GRCh38, chr2:178,714,394, plus strand): 5'-CGTTTTTGATCTGACAAGTGTATTTTCCAGCATTGGCTGGTTCCACTCTTGAAAACTGTA[A>C]GGTTGCAATGTTTTCTGAATAAGAAATCCATATGTTGTCACTTTCTCTAACGATTTCTCC-3'
Protein context (NP_001254479.2, residues 8784-8804): WISYSENIAT[Leu8794Val]QFSRVEPANA

ClinVar aggregate classification (germline): Conflicting classifications of pathogenicity. Review status: criteria provided, conflicting classifications (1 of 4 stars). 2 submissions from 2 submitters: Uncertain significance (1); Likely benign (1). Last evaluated 2023-05-16.

Allele frequency attached by ClinVar (database versions not stated): gnomAD 0.00003; TOPMed 0.00003; 1000 Genomes Project 0.00020; 1000 Genomes Project 30x 0.00047.
gnomAD v4.1: 29 of 1,613,746 alleles (0.0018%); highest among the groups gnomAD compares: East Asian, 0.062%; no homozygotes.

Submissions (2):

Women's Health and Genetics/Laboratory Corporation of America, LabCorp
Classification: Uncertain significance. Last evaluated: 2023-05-16. Review status: criteria provided, single submitter. Criteria: LabCorp Variant Classification Summary - May 2015. Collection method: clinical testing. Allele origin: germline.
Comment: Variant summary: TTN c.22648T>G (p.Leu7550Val) results in a conservative amino acid change located in the I band region of the encoded protein sequence. Two of three in-silico tools predict a benign effect of the variant on protein function. The variant allele was found at a frequency of 2.4e-05 in 248082 control chromosomes (gnomAD). The available data on variant occurrences in the general population are insufficient to allow any conclusion about variant significance. c.22648T>G has been reported in the literature in a Chinese family with suspicious for Arrhythmogenic right ventricular cardiomyopathy however authors believed a different DSC2 variant was the causal variant in the family (Liu_2017). These report(s) do not provide unequivocal conclusions about association of the variant with Dilated Cardiomyopathy. To our knowledge, no experimental evidence demonstrating an impact on protein function has been reported. The following publication have been ascertained in the context of this evaluation (PMID: 28256248). One clinical diagnostic laboratory has submitted clinical-significance assessments for this variant to ClinVar after 2014 and classified the variant as benign/likely benign. Based on the evidence outlined above, the variant was classified as uncertain significance.

GeneDx
Classification: Likely benign. Last evaluated: 2018-06-18. Review status: criteria provided, single submitter. Criteria: GeneDx Variant Classification (06012015). Collection method: clinical testing. Allele origin: germline. Affected: yes.
Comment: This variant is considered likely benign or benign based on one or more of the following criteria: it is a conservative change, it occurs at a poorly conserved position in the protein, it is predicted to be benign by multiple in silico algorithms, and/or has population frequency not consistent with disease.

Literature cited by the submitters: PubMed 28256248 (cited by Women's Health and Genetics/Laboratory Corporation of America, LabCorp).